The following is an entry in ClinVar:

ClinVar aggregate classification (germline): Benign/Likely benign. Review status: criteria provided, multiple submitters, no conflicts (2 of 4 stars). 14 submissions from 14 submitters: Benign (12); Likely benign (2). Last evaluated 2026-08-01.

Conditions:
Ehlers-Danlos syndrome (EDS). Identifiers: Orphanet 98249, MedGen C0013720, MONDO:0020066.
Ehlers-Danlos syndrome, type 4 (EDSVASC). Also called: Ehlers-Danlos syndrome vascular type; Ehlers Danlos syndrome, ecchymotic type; Ehlers Danlos syndrome, arterial type; Ehlers Danlos syndrome, Sack-Barabas type; Ehlers-Danlos Syndrome Type IV. Identifiers: Orphanet 286, MedGen C0268338, MONDO:0017314, OMIM 130050.
Familial thoracic aortic aneurysm and aortic dissection (TAAD). Also called: Thoracic aortic aneurysms and dissections. Identifiers: Orphanet 91387, MedGen C4707243, MONDO:0019625.

Allele frequency attached by ClinVar (database versions not stated): gnomAD exomes 0.00038 and 0.00097; ExAC 0.00127; 1000 Genomes Project 30x 0.00344; 1000 Genomes Project 0.00359; gnomAD 0.00412 and 0.00443; ESP Exome Variant Server 0.00507; TOPMed 0.00525.
gnomAD v4.1: 1,212 of 1,613,294 alleles (0.075%); highest among the groups gnomAD compares: African/African-American, 1.4%; 6 homozygotes.

Submissions (14):

CeGaT Center for Human Genetics Tuebingen
Classification: Likely benign. Last evaluated: 2026-08-01. Review status: criteria provided, single submitter. Criteria: CeGaT Center For Human Genetics Tuebingen Variant Classification Criteria Version 2. Collection method: clinical testing. Allele origin: germline. Affected: yes. Observed: 6 variant alleles.
Comment: COL3A1: BP4, BP7, BS1

Labcorp Genetics (formerly Invitae), Labcorp
Classification: Benign for Ehlers-Danlos syndrome, type 4. Last evaluated: 2026-02-03. Review status: criteria provided, single submitter. Criteria: Invitae Variant Classification Sherloc (09022015). Collection method: clinical testing. Allele origin: germline.

Blueprint Genetics
Classification: Likely benign. Last evaluated: 2024-11-06. Review status: criteria provided, single submitter. Criteria: ACMG Guidelines, 2015. Collection method: clinical testing. Allele origin: germline.

ARUP Laboratories, Molecular Genetics and Genomics, ARUP Laboratories
Classification: Benign. Last evaluated: 2024-02-16. Review status: criteria provided, single submitter. Criteria: ARUP Molecular Germline Variant Investigation Process 2024. Collection method: clinical testing. Allele origin: germline.

Women's Health and Genetics/Laboratory Corporation of America, LabCorp
Classification: Benign. Last evaluated: 2021-12-04. Review status: criteria provided, single submitter. Criteria: LabCorp Variant Classification Summary - May 2015. Collection method: clinical testing. Allele origin: germline.

Genome Diagnostics Laboratory, The Hospital for Sick Children
Classification: Benign for Ehlers-Danlos syndrome. Last evaluated: 2020-06-01. Review status: criteria provided, single submitter. Criteria: ACMG Guidelines, 2015. Collection method: clinical testing. Allele origin: germline.

Genetic Services Laboratory, University of Chicago
Classification: Benign. Last evaluated: 2019-07-22. Review status: criteria provided, single submitter. Criteria: ACMG Guidelines, 2015. Collection method: clinical testing. Allele origin: germline. Affected: no.

Color Diagnostics, LLC DBA Color Health
Classification: Benign for Familial thoracic aortic aneurysm and aortic dissection. Last evaluated: 2018-09-28. Review status: criteria provided, single submitter. Criteria: ACMG Guidelines, 2015. Collection method: clinical testing. Allele origin: germline.

Illumina Laboratory Services, Illumina
Classification: Benign for Ehlers-Danlos syndrome, type 4. Last evaluated: 2018-01-13. Review status: criteria provided, single submitter. Criteria: ICSL Variant Classification Criteria 13 December 2019. Collection method: clinical testing. Allele origin: germline.
Comment: This variant was observed in the ICSL laboratory as part of a predisposition screen in an ostensibly healthy population. It had not been previously curated by ICSL or reported in the Human Gene Mutation Database (HGMD: prior to June 1st, 2018), and was therefore a candidate for classification through an automated scoring system. Utilizing variant allele frequency, disease prevalence and penetrance estimates, and inheritance mode, an automated score was calculated to assess if this variant is too frequent to cause the disease. Based on the score and internal cut-off values, a variant classified as benign is not then subjected to further curation. The score for this variant resulted in a classification of benign for this disease.

CHEO Genetics Diagnostic Laboratory, Children's Hospital of Eastern Ontario
Classification: Benign for Familial thoracic aortic aneurysm and aortic dissection. Last evaluated: 2016-06-24. Review status: criteria provided, single submitter. Criteria: ACMG Guidelines, 2015. Collection method: clinical testing. Allele origin: germline. Study: Canadian Open Genetics Repository.

GeneDx
Classification: Benign. Last evaluated: 2014-10-20. Review status: criteria provided, single submitter. Criteria: GeneDx Variant Classification (06012015). Collection method: clinical testing. Allele origin: germline. Affected: yes.
Comment: This variant is considered likely benign or benign based on one or more of the following criteria: it is a conservative change, it occurs at a poorly conserved position in the protein, it is predicted to be benign by multiple in silico algorithms, and/or has population frequency not consistent with disease.

Ambry Genetics
Classification: Benign for Familial thoracic aortic aneurysm and aortic dissection. Last evaluated: 2014-06-03. Review status: criteria provided, single submitter. Criteria: Ambry Variant Classification Scheme 2023. Collection method: clinical testing. Allele origin: germline.

Mayo Clinic Laboratories, Mayo Clinic
Classification: Benign. Last evaluated: 2014-01-31. Review status: criteria provided, single submitter. Criteria: ACMG Guidelines, 2015. Collection method: clinical testing. Allele origin: germline. Observed: 10 variant alleles.

PreventionGenetics, part of Exact Sciences
Classification: Benign. Review status: criteria provided, single submitter. Criteria: ACMG Guidelines, 2015. Collection method: clinical testing. Allele origin: germline.

NM_000090.4(COL3A1):c.1659T>A (p.Pro553=)

Gene: COL3A1 (collagen type III alpha 1 chain; plus strand). Cytogenetic location: 2q32.2.
Variant type: single nucleotide variant.
Coding change: c.1659T>A on transcript NM_000090.4 (MANE Select); coding-DNA position 1659, T replaced by A.
Protein change: p.Pro553=; no amino-acid change (proline 553 retained).
Molecular consequence: synonymous variant.
Genome position (GRCh38, 1-based): chr2:188,996,175, T>A. VCF-style: chr2-188996175-T-A. GRCh37 (hg19) VCF-style: chr2-189860901-T-A.
Other names: p.P553P:CCT>CCA; p.Pro553=.
Identifiers: ClinVar variation 199696 (VCV000199696.90), dbSNP rs41263751, ClinGen allele CA004397.